The following is an entry in ClinVar:

ClinVar aggregate classification (germline): Uncertain significance (1 of 4 stars; one submission).

Allele frequency attached by ClinVar (database versions not stated): gnomAD exomes below 0.00001; TOPMed 0.00001.

Submission:

Labcorp Genetics (formerly Invitae), Labcorp
Classification: Uncertain significance. Last evaluated: 2025-05-17. Review status: criteria provided, single submitter. Criteria: Invitae Variant Classification Sherloc (09022015). Collection method: clinical testing. Allele origin: germline.
Comment: This sequence change replaces glycine, which is neutral and non-polar, with glutamic acid, which is acidic and polar, at codon 202 of the COL4A2 protein (p.Gly202Glu). This variant is not present in population databases (gnomAD no frequency). This variant has not been reported in the literature in individuals affected with COL4A2-related conditions. ClinVar contains an entry for this variant (Variation ID: 3009728). Invitae Evidence Modeling of protein sequence and biophysical properties (such as structural, functional, and spatial information, amino acid conservation, physicochemical variation, residue mobility, and thermodynamic stability) indicates that this missense variant is expected to disrupt COL4A2 protein function with a positive predictive value of 80%. In summary, the available evidence is currently insufficient to determine the role of this variant in disease. Therefore, it has been classified as a Variant of Uncertain Significance.

NM_001846.4(COL4A2):c.605G>A (p.Gly202Glu)

Gene: COL4A2 (collagen type IV alpha 2 chain; plus strand). Cytogenetic location: 13q34.
Variant type: single nucleotide variant.
Coding change: c.605G>A on transcript NM_001846.4 (MANE Select); coding-DNA position 605, G replaced by A.
Protein change: p.Gly202Glu; replaces glycine 202 with glutamic acid.
Molecular consequence: missense variant.
Genome position (GRCh38, 1-based): chr13:110,430,564, G>A. VCF-style: chr13-110430564-G-A. GRCh37 (hg19) VCF-style: chr13-111082911-G-A.
Other names: short protein forms G202E.
Identifiers: ClinVar variation 3009728 (VCV003009728.3), dbSNP rs1880639238, ClinGen allele CA388730152.